The following is an entry in ClinVar:

NM_000218.3(KCNQ1):c.1706A>G (p.Lys569Arg)

Gene: KCNQ1 (potassium voltage-gated channel subfamily Q member 1; plus strand). Cytogenetic location: 11p15.5.
Variant type: single nucleotide variant.
Coding change: c.1706A>G on transcript NM_000218.3 (MANE Select); coding-DNA position 1706, A replaced by G.
Protein change: p.Lys569Arg; replaces lysine 569 with arginine.
Molecular consequence: missense variant.
Genome position (GRCh38, 1-based): chr11:2,777,006, A>G. VCF-style: chr11-2777006-A-G. GRCh37 (hg19) VCF-style: chr11-2798236-A-G.
Other names: c.1610A>G, p.Lys537Arg (NM_001406836.1); c.1436A>G, p.Lys479Arg (NM_001406837.1); c.1166A>G, p.Lys389Arg (NM_001406838.1); c.1325A>G, p.Lys442Arg (NM_181798.2); short protein forms K442R, K569R, K389R, K479R, K537R.
Identifiers: ClinVar variation 3386948 (VCV003386948.2), dbSNP rs794728575.

ClinVar aggregate classification (germline): Uncertain significance. Review status: criteria provided, multiple submitters, no conflicts (2 of 4 stars). 2 submissions from 2 submitters: Uncertain significance (2). Last evaluated 2025-04-07.

Conditions:
Long QT syndrome (LQTS). Identifiers: MedGen C0023976, MeSH D008133, MONDO:0002442. Disease mechanism: loss of function. Inheritance: Various modes of inheritance.
Cardiac arrhythmia. Also called: Cardiac rhythm disease; Arrhythmia. Identifiers: MedGen C0003811, MONDO:0007263, HP:0011675.

gnomAD v4.1: 2 of 1,614,106 alleles (0.00012%); highest among the groups gnomAD compares: Non-Finnish European, 0.00017%; no homozygotes.

Submissions (2):

Color Diagnostics, LLC DBA Color Health
Classification: Uncertain significance for Cardiac arrhythmia. Last evaluated: 2025-04-07. Review status: criteria provided, single submitter. Criteria: ACMG Guidelines, 2015. Collection method: clinical testing. Allele origin: germline.
Comment: This missense variant replaces lysine with arginine at codon 569 of the KCNQ1 protein. This variant is located within the conserved C-terminus (a.a. 509-575) of the KCNQ1 protein. Rare non-truncating variants in this region have been shown to be significantly overrepresented in individuals with long QT syndrome (PMID: 32893267). Computational prediction suggests that this variant may have a deleterious impact on protein structure and function. To our knowledge, functional studies have not been reported for this variant. This variant has not been reported in individuals affected with KCNQ1-related disorders in the literature. This variant has not been identified in the general population by the Genome Aggregation Database (gnomAD). The available evidence is insufficient to determine the role of this variant in disease conclusively. Therefore, this variant is classified as a Variant of Uncertain Significance.

All of Us Research Program, National Institutes of Health
Classification: Uncertain significance for Long QT syndrome. Last evaluated: 2024-06-09. Review status: criteria provided, single submitter. Criteria: ACMG Guidelines, 2015. Collection method: clinical testing. Allele origin: germline. Inheritance: Autosomal dominant inheritance. Observed: 2 variant alleles, 2 heterozygotes.
Comment: This missense variant replaces lysine with arginine at codon 569 of the KCNQ1 protein. Computational prediction suggests that this variant may have deleterious impact on protein structure and function (internally defined REVEL score threshold >= 0.7, PMID: 27666373). To our knowledge, functional studies have not been reported for this variant. This variant has not been reported in individuals affected with KCNQ1-related disorders in the literature. This variant has not been identified in the general population by the Genome Aggregation Database (gnomAD). The available evidence is insufficient to determine the role of this variant in disease conclusively. Therefore, this variant is classified as a Variant of Uncertain Significance.

This study involves interpretation of variants in research participants for the purpose of population health screening. Participant phenotype was not available at the time of variant classification. Additional details can be found in publication PMID: 35346344, PMCID: PMC8962531

Literature cited by the submitters: PubMed 32893267 (cited by Color Diagnostics, LLC DBA Color Health).